The following is an entry in ClinVar:

ClinVar aggregate classification (germline): Uncertain significance (1 of 4 stars; one submission).

Conditions:
Hypertrophic cardiomyopathy. Also called: HYPERTROPHIC MYOCARDIOPATHY. Identifiers: Orphanet 217569, MedGen C0007194, MeSH D002312, MONDO:0005045, HP:0001639.

gnomAD v4.1: 3 of 1,602,868 alleles (0.00019%); highest among the groups gnomAD compares: South Asian, 0.0011%; no homozygotes.

Submission:

Labcorp Genetics (formerly Invitae), Labcorp
Classification: Uncertain significance for Hypertrophic cardiomyopathy. Last evaluated: 2025-01-13. Review status: criteria provided, single submitter. Criteria: Invitae Variant Classification Sherloc (09022015). Collection method: clinical testing. Allele origin: germline.
Comment: This sequence change replaces arginine, which is basic and polar, with histidine, which is basic and polar, at codon 21 of the TNNI3 protein (p.Arg21His). This variant is not present in population databases (gnomAD no frequency). This variant has not been reported in the literature in individuals affected with TNNI3-related conditions. Experimental studies and prediction algorithms are not available or were not evaluated, and the functional significance of this variant is currently unknown. This variant disrupts the p.Arg21 amino acid residue in TNNI3. Other variant(s) that disrupt this residue have been determined to be pathogenic (PMID: 16267253, 32885985). This suggests that this residue is clinically significant, and that variants that disrupt this residue are likely to be disease-causing. In summary, the available evidence is currently insufficient to determine the role of this variant in disease. Therefore, it has been classified as a Variant of Uncertain Significance.

Literature cited by the submitters: PubMed 16267253; PubMed 32885985.

NM_000363.5(TNNI3):c.62G>A (p.Arg21His)

Gene: TNNI3 (troponin I3, cardiac type; minus strand). Cytogenetic location: 19q13.42.
Variant type: single nucleotide variant.
Coding change: c.62G>A on transcript NM_000363.5 (MANE Select); coding-DNA position 62, G replaced by A.
Protein change: p.Arg21His; replaces arginine 21 with histidine.
Molecular consequence: missense variant.
Genome position (GRCh38, 1-based): chr19:55,157,096, C>T on the plus strand (G>A on the coding strand, the complement: TNNI3 is on the minus strand). VCF-style: chr19-55157096-C-T. GRCh37 (hg19) VCF-style: chr19-55668464-C-T.
Other names: short protein forms R21H.
Identifiers: ClinVar variation 3709013 (VCV003709013.2).